The following is an entry in ClinVar:

ClinVar aggregate classification (germline): Uncertain significance. Review status: criteria provided, multiple submitters, no conflicts (2 of 4 stars). 2 submissions from 2 submitters: Uncertain significance (2). Last evaluated 2022-10-11.

Conditions:
ENPP1-related disorder. Also called: ENPP1-related condition; ENPP1-related disorders.
Arterial calcification, generalized, of infancy, 1 (GACI1). Also called: Idiopathic Infantile Arterial Calcification. Identifiers: Orphanet 51608, MedGen C4551985, MONDO:0008817, OMIM 208000.

gnomAD v4.1: 1 of 1,614,070 alleles (0.000062%); highest among the groups gnomAD compares: Non-Finnish European, 0.000085%; no homozygotes.

Submissions (2):

PreventionGenetics, part of Exact Sciences
Classification: Uncertain significance for ENPP1-related condition. Last evaluated: 2022-10-11. Review status: criteria provided, single submitter. Criteria: ACMG Guidelines, 2015. Collection method: clinical testing. Allele origin: germline.
Comment: The ENPP1 c.484A>G variant is predicted to result in the amino acid substitution p.Ser162Gly. To our knowledge, this variant has not been reported in the literature or in a large population database, indicating this variant is rare. At this time, the clinical significance of this variant is uncertain due to the absence of conclusive functional and genetic evidence.

Baylor Genetics
Classification: Uncertain significance for Arterial calcification, generalized, of infancy, 1. Last evaluated: 2018-05-09. Review status: criteria provided, single submitter. Criteria: ACMG Guidelines, 2015. Collection method: clinical testing. Allele origin: maternal. Affected: yes.
Comment: This variant was determined to be of uncertain significance according to ACMG Guidelines, 2015 [PMID:25741868].

NM_006208.3(ENPP1):c.484A>G (p.Ser162Gly)

Gene: ENPP1 (ectonucleotide pyrophosphatase/phosphodiesterase 1; plus strand). Cytogenetic location: 6q23.2.
Variant type: single nucleotide variant.
Coding change: c.484A>G on transcript NM_006208.3 (MANE Select); coding-DNA position 484, A replaced by G.
Protein change: p.Ser162Gly; replaces serine 162 with glycine.
Molecular consequence: missense variant.
Genome position (GRCh38, 1-based): chr6:131,851,195, A>G. VCF-style: chr6-131851195-A-G. GRCh37 (hg19) VCF-style: chr6-132172335-A-G.
Other names: short protein forms S162G.
Identifiers: ClinVar variation 1034254 (VCV001034254.2), dbSNP rs1781876170, ClinGen allele CA365661546.
Genomic context (GRCh38, chr6:131,851,195, plus strand): 5'-TTTCTAGAACATATATGGACTTGCAACAAATTCAGGTGTGGTGAGAAAAGGTTGACCAGA[A>G]GCCTCTGTGCCTGTTCAGATGACTGCAAGGACAAGGGCGACTGCTGCATCAACTACAGTT-3'
Protein context (NP_006199.2, residues 152-172): FRCGEKRLTR[Ser162Gly]LCACSDDCKD